The following is an entry in ClinVar:

NM_001793.6(CDH3):c.2323G>T (p.Asp775Tyr)

Gene: CDH3 (cadherin 3; plus strand). Cytogenetic location: 16q22.1.
Variant type: single nucleotide variant.
Coding change: c.2323G>T on transcript NM_001793.6 (MANE Select); coding-DNA position 2323, G replaced by T.
Protein change: p.Asp775Tyr; replaces aspartic acid 775 with tyrosine.
Molecular consequence: missense variant. On other transcripts: 3 prime UTR variant (1).
Genome position (GRCh38, 1-based): chr16:68,698,233, G>T. VCF-style: chr16-68698233-G-T. GRCh37 (hg19) VCF-style: chr16-68732136-G-T.
Other names: c.*66G>T (NM_001317195.3); c.2158G>T, p.Asp720Tyr (NM_001317196.2); short protein forms D720Y, D775Y.
Identifiers: ClinVar variation 1038140 (VCV001038140.8), dbSNP rs150829939, ClinGen allele CA283291319.

ClinVar aggregate classification (germline): Uncertain significance (1 of 4 stars; one submission).

Allele frequency attached by ClinVar (database versions not stated): gnomAD 0.00001; TOPMed 0.00002; ESP Exome Variant Server 0.00008.
gnomAD v4.1: 1 of 1,614,054 alleles (0.000062%); highest among the groups gnomAD compares: African/African-American, 0.0013%; no homozygotes.

Submission:

Labcorp Genetics (formerly Invitae), Labcorp
Classification: Uncertain significance. Last evaluated: 2022-02-08. Review status: criteria provided, single submitter. Criteria: Invitae Variant Classification Sherloc (09022015). Collection method: clinical testing. Allele origin: germline.
Comment: In summary, the available evidence is currently insufficient to determine the role of this variant in disease. Therefore, it has been classified as a Variant of Uncertain Significance. Algorithms developed to predict the effect of missense changes on protein structure and function are either unavailable or do not agree on the potential impact of this missense change (SIFT: "Not Available"; PolyPhen-2: "Probably Damaging"; Align-GVGD: "Not Available"). ClinVar contains an entry for this variant (Variation ID: 1038140). This variant has not been reported in the literature in individuals affected with CDH3-related conditions. This variant is present in population databases (rs150829939, gnomAD 0.007%). This sequence change replaces aspartic acid, which is acidic and polar, with tyrosine, which is neutral and polar, at codon 775 of the CDH3 protein (p.Asp775Tyr).